The following is an entry in ClinVar:

NM_001029883.3(PCARE):c.2203A>C (p.Ile735Leu)

Gene: PCARE (photoreceptor cilium actin regulator; minus strand). Cytogenetic location: 2p23.2.
Variant type: single nucleotide variant.
Coding change: c.2203A>C on transcript NM_001029883.3 (MANE Select); coding-DNA position 2203, A replaced by C.
Protein change: p.Ile735Leu; replaces isoleucine 735 with leucine.
Molecular consequence: missense variant.
Genome position (GRCh38, 1-based): chr2:29,072,059, T>G on the plus strand (A>C on the coding strand, the complement: PCARE is on the minus strand). VCF-style: chr2-29072059-T-G. GRCh37 (hg19) VCF-style: chr2-29294925-T-G.
Other names: short protein forms I735L.
Identifiers: ClinVar variation 2099393 (VCV002099393.4), dbSNP rs1667498926, ClinGen allele CA346478023.

ClinVar aggregate classification (germline): Uncertain significance (1 of 4 stars; one submission).

gnomAD v4.1: 1 of 1,614,236 alleles (0.000062%); highest among the groups gnomAD compares: Non-Finnish European, 0.000085%; no homozygotes.

Submission:

Labcorp Genetics (formerly Invitae), Labcorp
Classification: Uncertain significance. Last evaluated: 2022-03-11. Review status: criteria provided, single submitter. Criteria: Invitae Variant Classification Sherloc (09022015). Collection method: clinical testing. Allele origin: germline.
Comment: This variant has not been reported in the literature in individuals affected with PCARE-related conditions. This variant is not present in population databases (gnomAD no frequency). Algorithms developed to predict the effect of missense changes on protein structure and function are either unavailable or do not agree on the potential impact of this missense change (SIFT: "Deleterious"; PolyPhen-2: "Probably Damaging"; Align-GVGD: "Class C0"). In summary, the available evidence is currently insufficient to determine the role of this variant in disease. Therefore, it has been classified as a Variant of Uncertain Significance. This sequence change replaces isoleucine, which is neutral and non-polar, with leucine, which is neutral and non-polar, at codon 735 of the PCARE protein (p.Ile735Leu).